The following is an entry in ClinVar:

ClinVar aggregate classification (germline): Uncertain significance (1 of 4 stars; one submission).

Conditions:
Hajdu-Cheney syndrome (HJCYS). Also called: SERPENTINE FIBULA-POLYCYSTIC KIDNEY SYNDROME; ACROOSTEOLYSIS WITH OSTEOPOROSIS AND CHANGES IN SKULL AND MANDIBLE; Acroosteolysis dominant type. Identifiers: Orphanet 955, MedGen C0917715, MONDO:0007057, OMIM 102500.

gnomAD v4.1: 2 of 1,614,186 alleles (0.00012%); highest among the groups gnomAD compares: South Asian, 0.0022%; no homozygotes.

Submission:

Labcorp Genetics (formerly Invitae), Labcorp
Classification: Uncertain significance for Hajdu-Cheney syndrome. Last evaluated: 2021-07-27. Review status: criteria provided, single submitter. Criteria: Invitae Variant Classification Sherloc (09022015). Collection method: clinical testing. Allele origin: germline.
Comment: In summary, the available evidence is currently insufficient to determine the role of this variant in disease. Therefore, it has been classified as a Variant of Uncertain Significance. Advanced modeling of protein sequence and biophysical properties (such as structural, functional, and spatial information, amino acid conservation, physicochemical variation, residue mobility, and thermodynamic stability) performed at Invitae indicates that this missense variant is not expected to disrupt NOTCH2 protein function. This variant has not been reported in the literature in individuals affected with NOTCH2-related conditions. This variant is not present in population databases (ExAC no frequency). This sequence change replaces leucine with methionine at codon 1426 of the NOTCH2 protein (p.Leu1426Met). The leucine residue is highly conserved and there is a small physicochemical difference between leucine and methionine.

NM_024408.4(NOTCH2):c.4276C>A (p.Leu1426Met)

Gene: NOTCH2 (notch receptor 2; minus strand). Cytogenetic location: 1p12.
Variant type: single nucleotide variant.
Coding change: c.4276C>A on transcript NM_024408.4 (MANE Select); coding-DNA position 4276, C replaced by A.
Protein change: p.Leu1426Met; replaces leucine 1426 with methionine.
Molecular consequence: missense variant.
Genome position (GRCh38, 1-based): chr1:119,925,540, G>T on the plus strand (C>A on the coding strand, the complement: NOTCH2 is on the minus strand). VCF-style: chr1-119925540-G-T. GRCh37 (hg19) VCF-style: chr1-120468163-G-T.
Other names: short protein forms L1426M.
Identifiers: ClinVar variation 1397260 (VCV001397260.6), dbSNP rs1268581110, ClinGen allele CA341890296.
Genomic context (GRCh38, chr1:119,925,540, plus strand): 5'-GGCTGTTGCAGGCCTCATCACAGACGCCATCCCGAGCTTTGTCGGCACAATACTGGCTCA[G>T]ACAGGTGGCAGGAGGGGTGCTGGGGGGTGCCGTGTAGAGTTCACAGCGGCTACCCGAGAA-3'
Protein context (NP_077719.2, residues 1416-1436): APPSTPPATC[Leu1426Met]SQYCADKARD